The following is an entry in ClinVar:

ClinVar aggregate classification (germline): Uncertain significance. Review status: criteria provided, multiple submitters, no conflicts (2 of 4 stars). 4 submissions from 4 submitters: Uncertain significance (4). Last evaluated 2026-02-19.

Conditions:
Hereditary cancer-predisposing syndrome. Also called: Tumor predisposition; Hereditary Cancer Syndrome; Neoplastic Syndromes, Hereditary; Hereditary neoplastic syndrome. Identifiers: Orphanet 140162, MedGen C0027672, MeSH D009386, MONDO:0015356.

Submissions (4):

Ambry Genetics
Classification: Uncertain significance for Hereditary cancer-predisposing syndrome. Last evaluated: 2026-02-19. Review status: criteria provided, single submitter. Criteria: Ambry Variant Classification Scheme 2023. Collection method: clinical testing. Allele origin: germline.
Comment: The p.F2104L variant (also known as c.6312C>G), located in coding exon 45 of the POLE gene, results from a C to G substitution at nucleotide position 6312. The phenylalanine at codon 2104 is replaced by leucine, an amino acid with highly similar properties. This amino acid position is highly conserved in available vertebrate species. In addition, the in silico prediction for this alteration is inconclusive. Based on the available evidence, the clinical significance of this variant remains unclear.

Center for Genomic Medicine, Rigshospitalet, Copenhagen University Hospital
Classification: Uncertain significance. Last evaluated: 2025-03-04. Review status: criteria provided, single submitter. Criteria: ACMG Guidelines, 2015. Collection method: clinical testing. Allele origin: germline.

Labcorp Genetics (formerly Invitae), Labcorp
Classification: Uncertain significance. Last evaluated: 2024-05-12. Review status: criteria provided, single submitter. Criteria: Invitae Variant Classification Sherloc (09022015). Collection method: clinical testing. Allele origin: germline.
Comment: This sequence change replaces phenylalanine, which is neutral and non-polar, with leucine, which is neutral and non-polar, at codon 2104 of the POLE protein (p.Phe2104Leu). This variant is not present in population databases (gnomAD no frequency). This variant has not been reported in the literature in individuals affected with POLE-related conditions. ClinVar contains an entry for this variant (Variation ID: 540700). Advanced modeling of protein sequence and biophysical properties (such as structural, functional, and spatial information, amino acid conservation, physicochemical variation, residue mobility, and thermodynamic stability) performed at Invitae indicates that this missense variant is not expected to disrupt POLE protein function with a negative predictive value of 80%. In summary, the available evidence is currently insufficient to determine the role of this variant in disease. Therefore, it has been classified as a Variant of Uncertain Significance.

GeneDx
Classification: Uncertain significance. Last evaluated: 2022-02-08. Review status: criteria provided, single submitter. Criteria: GeneDx Variant Classification Process June 2021. Collection method: clinical testing. Allele origin: germline. Affected: yes.
Comment: Not observed at significant frequency in large population cohorts (gnomAD); In silico analysis supports that this missense variant has a deleterious effect on protein structure/function; Has not been previously published as pathogenic or benign to our knowledge

NM_006231.4(POLE):c.6312C>G (p.Phe2104Leu)

Gene: POLE (DNA polymerase epsilon, catalytic subunit; minus strand). Cytogenetic location: 12q24.33.
Variant type: single nucleotide variant.
Coding change: c.6312C>G on transcript NM_006231.4 (MANE Select); coding-DNA position 6312, C replaced by G.
Protein change: p.Phe2104Leu; replaces phenylalanine 2104 with leucine.
Molecular consequence: missense variant.
Genome position (GRCh38, 1-based): chr12:132,632,333, G>C on the plus strand (C>G on the coding strand, the complement: POLE is on the minus strand). VCF-style: chr12-132632333-G-C. GRCh37 (hg19) VCF-style: chr12-133208919-G-C.
Other names: short protein forms F2104L.
Identifiers: ClinVar variation 540700 (VCV000540700.14), dbSNP rs1555220869, ClinGen allele CA387369233.